The following is an entry in ClinVar:

NM_152618.3(BBS12):c.1528G>A (p.Ala510Thr)

Gene: BBS12 (Bardet-Biedl syndrome 12; plus strand). Cytogenetic location: 4q27.
Variant type: single nucleotide variant.
Coding change: c.1528G>A on transcript NM_152618.3 (MANE Select); coding-DNA position 1528, G replaced by A.
Protein change: p.Ala510Thr; replaces alanine 510 with threonine.
Molecular consequence: missense variant.
Genome position (GRCh38, 1-based): chr4:122,743,420, G>A. VCF-style: chr4-122743420-G-A. GRCh37 (hg19) VCF-style: chr4-123664575-G-A.
Other names: c.1528G>A (NM_152618.2); c.1528G>A, p.Ala510Thr (NM_001178007.2); short protein forms A510T.
Identifiers: ClinVar variation 1962603 (VCV001962603.5), dbSNP rs1480868238, ClinGen allele CA358225307.
Genomic context (GRCh38, chr4:122,743,420, plus strand): 5'-ATCTTATTAAAAACAGAAGGAATTAATTTGGTTACGGCCGTGCTCACTAACCCAGTTACT[G>A]CACAGATGCAAATCAAAGAAGATAGGTTCTGGACATGTGCCTATCGTTTGTATTATGCTC-3'
Protein context (NP_689831.2, residues 500-520): VTAVLTNPVT[Ala510Thr]QMQIKEDRFW

ClinVar aggregate classification (germline): Uncertain significance. Review status: criteria provided, multiple submitters, no conflicts (2 of 4 stars). 4 submissions from 4 submitters: Uncertain significance (3). 1 of the submissions does not count toward it. Last evaluated 2025-08-11.

Conditions:
Inborn genetic diseases. Identifiers: MedGen C0950123, MeSH D030342.
Bardet-Biedl syndrome (BBS). Identifiers: Orphanet 110, MedGen C0752166, MONDO:0015229.
Bardet-Biedl syndrome 12 (BBS12). Identifiers: Orphanet 110, MedGen C1859570, MONDO:0014440, OMIM 615989.
BBS12-related disorder. Also called: BBS12-related condition.

Allele frequency attached by ClinVar (database versions not stated): gnomAD 0.00001; gnomAD exomes 0.00001; TOPMed 0.00001.
gnomAD v4.1: 15 of 1,614,084 alleles (0.00093%); highest among the groups gnomAD compares: Non-Finnish European, 0.0013%; no homozygotes.

Submissions (4):

Ambry Genetics
Classification: Uncertain significance for Inborn genetic diseases. Last evaluated: 2025-08-11. Review status: criteria provided, single submitter. Criteria: Ambry Variant Classification Scheme 2023. Collection method: clinical testing. Allele origin: germline.

Fulgent Genetics
Classification: Uncertain significance for Bardet-Biedl syndrome 12. Last evaluated: 2024-03-14. Review status: criteria provided, single submitter. Criteria: ACMG Guidelines, 2015. Collection method: clinical testing. Allele origin: germline.

Labcorp Genetics (formerly Invitae), Labcorp
Classification: Uncertain significance for Bardet-Biedl syndrome. Last evaluated: 2022-07-29. Review status: criteria provided, single submitter. Criteria: Invitae Variant Classification Sherloc (09022015). Collection method: clinical testing. Allele origin: germline.
Comment: This sequence change replaces alanine, which is neutral and non-polar, with threonine, which is neutral and polar, at codon 510 of the BBS12 protein (p.Ala510Thr). This variant is present in population databases (no rsID available, gnomAD 0.01%). This variant has not been reported in the literature in individuals affected with BBS12-related conditions. Algorithms developed to predict the effect of missense changes on protein structure and function are either unavailable or do not agree on the potential impact of this missense change (SIFT: "Deleterious"; PolyPhen-2: "Possibly Damaging"; Align-GVGD: "Class C0"). In summary, the available evidence is currently insufficient to determine the role of this variant in disease. Therefore, it has been classified as a Variant of Uncertain Significance.

PreventionGenetics, part of Exact Sciences
Classification: Uncertain significance for BBS12-related condition. Last evaluated: 2024-09-04. Review status: no assertion criteria provided. Collection method: clinical testing. Allele origin: germline. Not counted in ClinVar's aggregate classification.
Comment: The BBS12 c.1528G>A variant is predicted to result in the amino acid substitution p.Ala510Thr. To our knowledge, this variant has not been reported in the literature. This variant is reported in 0.011% of alleles in individuals of African descent in gnomAD. At this time, the clinical significance of this variant is uncertain due to the absence of conclusive functional and genetic evidence.